The following is an entry in ClinVar:

ClinVar aggregate classification (germline): Likely benign. Review status: criteria provided, multiple submitters, no conflicts (2 of 4 stars). 3 submissions from 3 submitters: Likely benign (2). 1 of the submissions does not count toward it. Last evaluated 2025-10-05.

Conditions:
ALDOB-related disorder. Also called: ALDOB-related condition.
Hereditary fructosuria. Also called: ALDOB DEFICIENCY; ALDOLASE B DEFICIENCY; FRUCTOSE-1,6-BISPHOSPHATE ALDOLASE B DEFICIENCY; FRUCTOSE-1-PHOSPHATE ALDOLASE DEFICIENCY; FRUCTOSEMIA; Fructose intolerance. Identifiers: Orphanet 469, MedGen C0016751, MONDO:0009249, OMIM 229600, HP:0005973. Disease mechanism: loss of function.

Allele frequency attached by ClinVar (database versions not stated): ExAC 0.00003; TOPMed 0.00010; gnomAD 0.00011; 1000 Genomes Project 30x 0.00016; 1000 Genomes Project 0.00020.
gnomAD v4.1: 26 of 1,613,942 alleles (0.0016%); highest among the groups gnomAD compares: African/African-American, 0.024%; no homozygotes.

Submissions (3):

Labcorp Genetics (formerly Invitae), Labcorp
Classification: Likely benign for Hereditary fructosuria. Last evaluated: 2025-10-05. Review status: criteria provided, single submitter. Criteria: Invitae Variant Classification Sherloc (09022015). Collection method: clinical testing. Allele origin: germline.

PreventionGenetics, part of Exact Sciences
Classification: Likely benign for ALDOB-related condition. Last evaluated: 2025-08-13. Review status: criteria provided, single submitter. Criteria: ACMG Guidelines, 2015. Collection method: clinical testing. Allele origin: germline.
Comment: This variant is classified as likely benign based on ACMG/AMP sequence variant interpretation guidelines (Richards et al. 2015 PMID: 25741868, with internal and published modifications).

Natera, Inc.
Classification: Uncertain significance for Fructose intolerance. Last evaluated: 2020-03-17. Review status: no assertion criteria provided. Collection method: clinical testing. Allele origin: germline. Not counted in ClinVar's aggregate classification.

NM_000035.4(ALDOB):c.1011G>A (p.Gln337=)

Gene: ALDOB (aldolase, fructose-bisphosphate B; minus strand). Cytogenetic location: 9q31.1.
Variant type: single nucleotide variant.
Coding change: c.1011G>A on transcript NM_000035.4 (MANE Select); coding-DNA position 1011, G replaced by A.
Protein change: p.Gln337=; no amino-acid change (glutamine 337 retained).
Molecular consequence: synonymous variant.
Genome position (GRCh38, 1-based): chr9:101,421,893, C>T on the plus strand (G>A on the coding strand, the complement: ALDOB is on the minus strand). VCF-style: chr9-101421893-C-T. GRCh37 (hg19) VCF-style: chr9-104184175-C-T.
Identifiers: ClinVar variation 754589 (VCV000754589.11), dbSNP rs566549564, ClinGen allele CA5161400.